The following is an entry in ClinVar:

NM_024426.6(WT1):c.962A>C (p.Lys321Thr)

Gene: WT1 (WT1 transcription factor; minus strand). Cytogenetic location: 11p13.
Variant type: single nucleotide variant.
Coding change: c.962A>C on transcript NM_024426.6 (MANE Select); coding-DNA position 962, A replaced by C.
Protein change: p.Lys321Thr; replaces lysine 321 with threonine.
Molecular consequence: missense variant. On other transcripts: non-coding transcript variant (1).
Genome position (GRCh38, 1-based): chr11:32,417,580, T>G on the plus strand (A>C on the coding strand, the complement: WT1 is on the minus strand). VCF-style: chr11-32417580-T-G. GRCh37 (hg19) VCF-style: chr11-32439126-T-G.
Other names: c.962A>C, p.Lys321Thr (NM_000378.6, NM_001407044.1, NM_001407045.1 and 4 more transcripts); c.311A>C, p.Lys104Thr (NM_001198551.2, NM_001198552.2); c.839A>C, p.Lys280Thr (NM_001407047.1, NM_001407050.1); c.200A>C, p.Lys67Thr (NM_001407051.1); c.947A>C, p.Lys316Thr (NM_024425.2); short protein forms K280T, K104T, K67T, K316T, K321T.
Identifiers: ClinVar variation 2118669 (VCV002118669.4), dbSNP rs2133036674, ClinGen allele CA379961999.

ClinVar aggregate classification (germline): Uncertain significance (1 of 4 stars; one submission).

Conditions:
Drash syndrome (DDS). Also called: NEPHROPATHY, WILMS TUMOR, AND GENITAL ANOMALIES; WILMS TUMOR AND PSEUDO- OR TRUE HERMAPHRODITISM. Identifiers: Orphanet 220, MedGen C0950121, MONDO:0008682, OMIM 194080.
Frasier syndrome. Identifiers: Orphanet 347, MedGen C0950122, MeSH D052159, MONDO:0007635, OMIM 136680.
Wilms tumor 1 (WT1). Also called: Wilms tumor, somatic. Identifiers: Orphanet 654, MedGen CN033288, MONDO:0008679, OMIM 194070.
11p partial monosomy syndrome (WAGR). Also called: CHROMOSOME 11p13 DELETION SYNDROME; WAGR syndrome; WAGR Spectrum Disorder; WAGR Complex. Identifiers: Orphanet 893, MedGen C0206115, MONDO:0008681, OMIM 194072.

Submission:

Labcorp Genetics (formerly Invitae), Labcorp
Classification: Uncertain significance for Wilms tumor 1; Drash syndrome; 11p partial monosomy syndrome; Frasier syndrome. Last evaluated: 2022-03-28. Review status: criteria provided, single submitter. Criteria: Invitae Variant Classification Sherloc (09022015). Collection method: clinical testing. Allele origin: germline.
Comment: This variant is not present in population databases (gnomAD no frequency). This variant has not been reported in the literature in individuals affected with WT1-related conditions. Algorithms developed to predict the effect of missense changes on protein structure and function (SIFT, PolyPhen-2, Align-GVGD) all suggest that this variant is likely to be disruptive. In summary, the available evidence is currently insufficient to determine the role of this variant in disease. Therefore, it has been classified as a Variant of Uncertain Significance. This sequence change replaces lysine, which is basic and polar, with threonine, which is neutral and polar, at codon 316 of the WT1 protein (p.Lys316Thr).